The following is an entry in ClinVar:

ClinVar aggregate classification (germline): Benign (1 of 4 stars; one submission).

Allele frequency attached by ClinVar (database versions not stated): 1000 Genomes Project 0.01498; gnomAD 0.01507 and 0.01614; 1000 Genomes Project 30x 0.01577; TOPMed 0.01687.
gnomAD v4.1: 2,276 of 152,212 alleles (1.5%); highest among the groups gnomAD compares: African/African-American, 5.1%; 67 homozygotes.

Submission:

GeneDx
Classification: Benign. Last evaluated: 2018-06-14. Review status: criteria provided, single submitter. Criteria: GeneDx Variant Classification (06012015). Collection method: clinical testing. Allele origin: germline. Affected: yes.
Comment: This variant is considered likely benign or benign based on one or more of the following criteria: it is a conservative change, it occurs at a poorly conserved position in the protein, it is predicted to be benign by multiple in silico algorithms, and/or has population frequency not consistent with disease.

NM_014141.6(CNTNAP2):c.1083+266C>T

Gene: CNTNAP2 (contactin associated protein 2; plus strand). Cytogenetic location: 7q35.
Variant type: single nucleotide variant.
Coding change: c.1083+266C>T on transcript NM_014141.6 (MANE Select); 266 bases into the intron after coding-DNA position 1083, C replaced by T.
Molecular consequence: intron variant.
Genome position (GRCh38, 1-based): chr7:147,129,102, C>T. VCF-style: chr7-147129102-C-T. GRCh37 (hg19) VCF-style: chr7-146826194-C-T.
Identifiers: ClinVar variation 669702 (VCV000669702.1), dbSNP rs115629474, ClinGen allele CA168690464.